The following is an entry in ClinVar:

ClinVar aggregate classification (germline): Uncertain significance (1 of 4 stars; one submission).

Conditions:
Congenital glucose-galactose malabsorption (GGM). Also called: MONOSACCHARIDE MALABSORPTION; DIARRHEA 16. Identifiers: Orphanet 35710, MedGen C0268186, MONDO:0011731, OMIM 606824.

Allele frequency attached by ClinVar (database versions not stated): gnomAD exomes below 0.00001; gnomAD 0.00001; 1000 Genomes Project 30x 0.00016; 1000 Genomes Project 0.00020.
gnomAD v4.1: 2 of 1,614,228 alleles (0.00012%); highest among the groups gnomAD compares: East Asian, 0.0022%; no homozygotes.

Submission:

Labcorp Genetics (formerly Invitae), Labcorp
Classification: Uncertain significance for Congenital glucose-galactose malabsorption. Last evaluated: 2021-12-03. Review status: criteria provided, single submitter. Criteria: Invitae Variant Classification Sherloc (09022015). Collection method: clinical testing. Allele origin: germline.
Comment: This sequence change replaces lysine, which is basic and polar, with glutamic acid, which is acidic and polar, at codon 254 of the SLC5A1 protein (p.Lys254Glu). This variant is not present in population databases (gnomAD no frequency). This variant has not been reported in the literature in individuals affected with SLC5A1-related conditions. Algorithms developed to predict the effect of missense changes on protein structure and function output the following: SIFT: "Tolerated"; PolyPhen-2: "Benign"; Align-GVGD: "Class C0". The glutamic acid amino acid residue is found in multiple mammalian species, which suggests that this missense change does not adversely affect protein function. In summary, the available evidence is currently insufficient to determine the role of this variant in disease. Therefore, it has been classified as a Variant of Uncertain Significance.

NM_000343.4(SLC5A1):c.760A>G (p.Lys254Glu)

Gene: SLC5A1 (solute carrier family 5 member 1; plus strand). Cytogenetic location: 22q12.3.
Variant type: single nucleotide variant.
Coding change: c.760A>G on transcript NM_000343.4 (MANE Select); coding-DNA position 760, A replaced by G.
Protein change: p.Lys254Glu; replaces lysine 254 with glutamic acid.
Molecular consequence: missense variant.
Genome position (GRCh38, 1-based): chr22:32,084,534, A>G. VCF-style: chr22-32084534-A-G. GRCh37 (hg19) VCF-style: chr22-32480521-A-G.
Other names: c.379A>G, p.Lys127Glu (NM_001256314.2); short protein forms K127E, K254E.
Identifiers: ClinVar variation 1421305 (VCV001421305.3), dbSNP rs145740433, ClinGen allele CA323375636.